The following is an entry in ClinVar:

ClinVar aggregate classification (germline): Uncertain significance (1 of 4 stars; one submission).

Conditions:
Inborn genetic diseases. Identifiers: MedGen C0950123, MeSH D030342.

Submission:

Ambry Genetics
Classification: Uncertain significance for Inborn genetic diseases. Last evaluated: 2019-02-23. Review status: criteria provided, single submitter. Criteria: Ambry Variant Classification Scheme 2023. Collection method: clinical testing. Allele origin: germline.
Comment: The p.D408G variant (also known as c.1223A>G), located in coding exon 13 of the FMR1 gene, results from an A to G substitution at nucleotide position 1223. The aspartic acid at codon 408 is replaced by glycine, an amino acid with similar properties. This amino acid position is well conserved in available vertebrate species. In addition, this alteration is predicted to be tolerated by in silico analysis. Since supporting evidence is limited at this time, the clinical significance of this alteration remains unclear.

NM_002024.6(FMR1):c.1223A>G (p.Asp408Gly)

Gene: FMR1 (fragile X messenger ribonucleoprotein 1; plus strand). Cytogenetic location: Xq27.3.
Variant type: single nucleotide variant.
Coding change: c.1223A>G on transcript NM_002024.6 (MANE Select); coding-DNA position 1223, A replaced by G.
Protein change: p.Asp408Gly; replaces aspartic acid 408 with glycine.
Molecular consequence: missense variant. On other transcripts: non-coding transcript variant (2).
Genome position (GRCh38, 1-based): chrX:147,940,610, A>G. VCF-style: chrX-147940610-A-G. GRCh37 (hg19) VCF-style: chrX-147022129-A-G.
Other names: c.1223A>G, p.Asp408Gly (NM_001185075.2); c.1160A>G, p.Asp387Gly (NM_001185076.2, NM_001185081.2, NM_001185082.2); short protein forms D408G, D387G.
Identifiers: ClinVar variation 1753571 (VCV001753571.2), dbSNP rs2521451440, ClinGen allele CA414443989.